The following is an entry in ClinVar:

ClinVar aggregate classification (germline): Pathogenic (1 of 4 stars; one submission).

gnomAD v4.1: 2 of 1,614,156 alleles (0.00012%); highest among the groups gnomAD compares: Non-Finnish European, 0.00017%; no homozygotes.

Submission:

Dasa
Classification: Pathogenic. Last evaluated: 2025-04-28. Review status: criteria provided, single submitter. Criteria: DASA Assertion Criteria. Collection method: clinical testing. Allele origin: germline.
Comment: NM_000097.7(CPOX):c.827G>A (p.Trp276*) introduces a premature termination codon predicted to result in loss of normal protein function. Loss-of-function is an established mechanism of disease for this gene. This variant has been recurrently observed in individuals with related phenotype (PMID: 34060066; PMID: 34411356). The variant is present at low frequency in population datasets. Based on the available data, this variant is classified as pathogenic.

Literature cited by the submitters: PubMed 34060066; PubMed 34411356.

NM_000097.7(CPOX):c.827G>A (p.Trp276Ter)

Gene: CPOX (coproporphyrinogen oxidase; minus strand). Cytogenetic location: 3q11.2.
Variant type: single nucleotide variant.
Coding change: c.827G>A on transcript NM_000097.7 (MANE Select); coding-DNA position 827, G replaced by A.
Protein change: p.Trp276Ter; replaces tryptophan 276 with a stop codon.
Molecular consequence: nonsense.
Genome position (GRCh38, 1-based): chr3:98,588,839, C>T on the plus strand (G>A on the coding strand, the complement: CPOX is on the minus strand). VCF-style: chr3-98588839-C-T. GRCh37 (hg19) VCF-style: chr3-98307683-C-T.
Other names: short protein forms W276*.
Identifiers: ClinVar variation 4851974 (VCV004851974.1).